The following is an entry in ClinVar:

NM_001127208.3(TET2):c.3450T>A (p.His1150Gln)

Genes: TET2 (tet methylcytosine dioxygenase 2; plus strand), TET2-AS1 (TET2 antisense RNA 1; minus strand). Cytogenetic location: 4q24.
Variant type: single nucleotide variant.
Coding change: c.3450T>A on transcript NM_001127208.3 (MANE Select); coding-DNA position 3450, T replaced by A.
Protein change: p.His1150Gln; replaces histidine 1150 with glutamine.
Molecular consequence: missense variant. On other transcripts: 3 prime UTR variant (1).
Genome position (GRCh38, 1-based): chr4:105,241,379, T>A. VCF-style: chr4-105241379-T-A. GRCh37 (hg19) VCF-style: chr4-106162536-T-A.
Other names: c.*3939T>A (NM_017628.4); short protein forms H1150Q.
Identifiers: ClinVar variation 3967548 (VCV003967548.1).

ClinVar aggregate classification (germline): Uncertain significance (1 of 4 stars; one submission).

gnomAD v4.1: 3 of 1,550,790 alleles (0.00019%); no homozygotes.

Submission:

Ambry Genetics
Classification: Uncertain significance. Last evaluated: 2025-04-10. Review status: criteria provided, single submitter. Criteria: Ambry Variant Classification Scheme 2023. Collection method: clinical testing. Allele origin: germline.
Comment: The p.H1150Q variant (also known as c.3450T>A), located in coding exon 2 of the TET2 gene, results from a T to A substitution at nucleotide position 3450. The histidine at codon 1150 is replaced by glutamine, an amino acid with highly similar properties. This amino acid position is conserved. In addition, the in silico prediction for this alteration is inconclusive. Based on the available evidence, the clinical significance of this variant remains unclear.